The following is an entry in ClinVar:

NM_002474.3(MYH11):c.2392C>T (p.Arg798Cys)

Gene: MYH11 (myosin heavy chain 11; minus strand). Cytogenetic location: 16p13.11.
Variant type: single nucleotide variant.
Coding change: c.2392C>T on transcript NM_002474.3 (MANE Select); coding-DNA position 2392, C replaced by T.
Protein change: p.Arg798Cys; replaces arginine 798 with cysteine.
Molecular consequence: missense variant.
Genome position (GRCh38, 1-based): chr16:15,747,589, G>A on the plus strand (C>T on the coding strand, the complement: MYH11 is on the minus strand). VCF-style: chr16-15747589-G-A. GRCh37 (hg19) VCF-style: chr16-15841446-G-A.
Other names: c.2413C>T, p.Arg805Cys (NM_001040113.2, NM_001040114.2); c.2392C>T, p.Arg798Cys (NM_022844.3); c.2413C>T (NM_001040114.1); short protein forms R798C, R805C.
Identifiers: ClinVar variation 426257 (VCV000426257.4), dbSNP rs779195096, ClinGen allele CA7922301.

ClinVar aggregate classification (germline): Uncertain significance. Review status: criteria provided, multiple submitters, no conflicts (2 of 4 stars). 2 submissions from 2 submitters: Uncertain significance (2). Last evaluated 2024-12-19.

Conditions:
Megacystis-microcolon-intestinal hypoperistalsis syndrome 2. Identifiers: MedGen C5543476, MONDO:0025708, OMIM 619351.

Allele frequency attached by ClinVar (database versions not stated): gnomAD exomes below 0.00001 and 0.00002; TOPMed below 0.00001; ExAC 0.00001; gnomAD 0.00001.
gnomAD v4.1: 23 of 1,613,962 alleles (0.0014%); highest among the groups gnomAD compares: Non-Finnish European, 0.0019%; no homozygotes.

Submissions (2):

Genomic Medicine Center of Excellence, King Faisal Specialist Hospital and Research Centre
Classification: Uncertain significance for Megacystis-microcolon-intestinal hypoperistalsis syndrome 2. Last evaluated: 2024-12-19. Review status: criteria provided, single submitter. Criteria: ACMG Guidelines, 2015. Collection method: clinical testing. Allele origin: germline.

GeneDx
Classification: Uncertain significance. Last evaluated: 2020-02-05. Review status: criteria provided, single submitter. Criteria: GeneDx Variant Classification Process June 2021. Collection method: clinical testing. Allele origin: germline. Affected: yes.
Comment: Has been previously reported in an individual with a personal and extensive family history of DCM, who also harbored "potentially pathogenic" variants in six other cardiomyopathy-associated genes (Golbus et al., 2014); Not observed at a significant frequency in large population cohorts (Lek et al., 2016); In silico analysis supports that this missense variant has a deleterious effect on protein structure/function; This variant is associated with the following publications: (PMID: 25179549)